The following is an entry in ClinVar:

ClinVar aggregate classification (germline): Conflicting classifications of pathogenicity. Review status: criteria provided, conflicting classifications (1 of 4 stars). 2 submissions from 2 submitters: Likely pathogenic (1); Uncertain significance (1). Last evaluated 2026-06-10.

Conditions:
Mucopolysaccharidosis, MPS-III-A (MPS3A). Also called: Mucopolysaccharidosis, type IIIA; mucopolysaccharidosis type 3A; MPS IIIA (Sanfilippo Syndrome Type A); HEPARAN SULFATE SULFATASE DEFICIENCY; Mucopolysaccharidosis type IIIA (Sanfilippo A); SANFILIPPO SYNDROME A. Identifiers: Orphanet 581, Orphanet 79269, MedGen C0086647, MONDO:0009655, OMIM 252900.

Allele frequency attached by ClinVar (database versions not stated): ExAC 0.00010.
gnomAD v4.1: 12 of 1,518,266 alleles (0.00079%); highest among the groups gnomAD compares: South Asian, 0.013%; no homozygotes.

Submissions (2):

Myriad Genetics, Inc.
Classification: Uncertain significance for Mucopolysaccharidosis, MPS-III-A. Last evaluated: 2026-06-10. Review status: criteria provided, single submitter. Criteria: Myriad Autosomal Dominant, Autosomal Recessive and X-Linked Classification Criteria (2023). Collection method: clinical testing. Allele origin: unknown.
Comment: NM_000199.3(SGSH):c.88G>C(A30P) is a missense variant classified as a variant of uncertain significance in the context of mucopolysaccharidosis type IIIA. A30P has been observed in a case with relevant disease (PMID: 26331342). Relevant functional assessments of this variant are not available in the literature. A30P has been observed in referenced population frequency databases. In summary, there is insufficient evidence to classify NM_000199.3(SGSH):c.88G>C(A30P) as pathogenic or benign. Please note: this variant was assessed in the context of healthy population screening.

Labcorp Genetics (formerly Invitae), Labcorp
Classification: Likely pathogenic for Mucopolysaccharidosis, MPS-III-A. Last evaluated: 2022-12-12. Review status: criteria provided, single submitter. Criteria: Invitae Variant Classification Sherloc (09022015). Collection method: clinical testing. Allele origin: germline.
Comment: This sequence change replaces alanine, which is neutral and non-polar, with proline, which is neutral and non-polar, at codon 30 of the SGSH protein (p.Ala30Pro). This variant also falls at the last nucleotide of exon 1, which is part of the consensus splice site for this exon. This variant is present in population databases (rs758793075, gnomAD 0.01%). This missense change has been observed in individual(s) with mucopolysaccharidosis type III (PMID: 26331342). In at least one individual the data is consistent with being in trans (on the opposite chromosome) from a pathogenic variant. ClinVar contains an entry for this variant (Variation ID: 1350122). Algorithms developed to predict the effect of missense changes on protein structure and function are either unavailable or do not agree on the potential impact of this missense change (SIFT: "Deleterious"; PolyPhen-2: "Not Available"; Align-GVGD: "Class C0"). Variants that disrupt the consensus splice site are a relatively common cause of aberrant splicing (PMID: 17576681, 9536098). In summary, the currently available evidence indicates that the variant is pathogenic, but additional data are needed to prove that conclusively. Therefore, this variant has been classified as Likely Pathogenic.

Literature cited by the submitters: PubMed 26331342 (cited by Myriad Genetics, Inc. and Labcorp Genetics (formerly Invitae), Labcorp); PubMed 17576681 (cited by Labcorp Genetics (formerly Invitae), Labcorp); PubMed 9536098 (cited by Labcorp Genetics (formerly Invitae), Labcorp).

NM_000199.5(SGSH):c.88G>C (p.Ala30Pro)

Gene: SGSH (N-sulfoglucosamine sulfohydrolase; minus strand). Cytogenetic location: 17q25.3.
Variant type: single nucleotide variant.
Coding change: c.88G>C on transcript NM_000199.5 (MANE Select); coding-DNA position 88, G replaced by C.
Protein change: p.Ala30Pro; replaces alanine 30 with proline.
Molecular consequence: missense variant. On other transcripts: non-coding transcript variant (1).
Genome position (GRCh38, 1-based): chr17:80,220,226, C>G on the plus strand (G>C on the coding strand, the complement: SGSH is on the minus strand). VCF-style: chr17-80220226-C-G. GRCh37 (hg19) VCF-style: chr17-78194025-C-G.
Other names: c.88G>C, p.Ala30Pro (NM_001352921.3, NM_001352922.2); short protein forms A30P.
Identifiers: ClinVar variation 1350122 (VCV001350122.7), dbSNP rs758793075, ClinGen allele CA8818198.